The following is an entry in ClinVar:

ClinVar aggregate classification (germline): Uncertain significance. Review status: criteria provided, multiple submitters, no conflicts (2 of 4 stars). 2 submissions from 2 submitters: Uncertain significance (2). Last evaluated 2024-10-15.

Conditions:
Charcot-Marie-Tooth disease axonal type 2Z. Also called: CHARCOT-MARIE-TOOTH DISEASE, AXONAL, AUTOSOMAL DOMINANT, TYPE 2Z; CHARCOT-MARIE-TOOTH NEUROPATHY, TYPE 2Z. Identifiers: Orphanet 466768, MedGen C5569025, MONDO:0014736, OMIM 616688.

Allele frequency attached by ClinVar (database versions not stated): gnomAD 0.00001.
gnomAD v4.1: 1 of 1,614,018 alleles (0.000062%); highest among the groups gnomAD compares: Non-Finnish European, 0.000085%; no homozygotes.

Submissions (2):

Labcorp Genetics (formerly Invitae), Labcorp
Classification: Uncertain significance for Charcot-Marie-Tooth disease axonal type 2Z. Last evaluated: 2024-10-15. Review status: criteria provided, single submitter. Criteria: Invitae Variant Classification Sherloc (09022015). Collection method: clinical testing. Allele origin: germline.
Comment: This sequence change replaces serine, which is neutral and polar, with isoleucine, which is neutral and non-polar, at codon 388 of the MORC2 protein (p.Ser388Ile). This variant is present in population databases (no rsID available, gnomAD 0.007%). This variant has not been reported in the literature in individuals affected with MORC2-related conditions. ClinVar contains an entry for this variant (Variation ID: 2499427). Invitae Evidence Modeling of protein sequence and biophysical properties (such as structural, functional, and spatial information, amino acid conservation, physicochemical variation, residue mobility, and thermodynamic stability) indicates that this missense variant is expected to disrupt MORC2 protein function with a positive predictive value of 95%. In summary, the available evidence is currently insufficient to determine the role of this variant in disease. Therefore, it has been classified as a Variant of Uncertain Significance.

GeneDx
Classification: Uncertain significance. Last evaluated: 2022-10-14. Review status: criteria provided, single submitter. Criteria: GeneDx Variant Classification Process June 2021. Collection method: clinical testing. Allele origin: germline. Affected: yes.
Comment: In silico analysis supports that this missense variant has a deleterious effect on protein structure/function; Has not been previously published as pathogenic or benign to our knowledge

NM_001303256.3(MORC2):c.1163G>T (p.Ser388Ile)

Gene: MORC2 (MORC family CW-type zinc finger 2; minus strand). Cytogenetic location: 22q12.2.
Variant type: single nucleotide variant.
Coding change: c.1163G>T on transcript NM_001303256.3 (MANE Select); coding-DNA position 1163, G replaced by T.
Protein change: p.Ser388Ile; replaces serine 388 with isoleucine.
Molecular consequence: missense variant.
Genome position (GRCh38, 1-based): chr22:30,938,116, C>A on the plus strand (G>T on the coding strand, the complement: MORC2 is on the minus strand). VCF-style: chr22-30938116-C-A. GRCh37 (hg19) VCF-style: chr22-31334103-C-A.
Other names: c.1163G>T, p.Ser388Ile (NM_001303257.2); c.977G>T, p.Ser326Ile (NM_014941.3); short protein forms S326I, S388I.
Identifiers: ClinVar variation 2499427 (VCV002499427.3), dbSNP rs1400428370, ClinGen allele CA411239344.